The following is an entry in ClinVar:

ClinVar aggregate classification (germline): Uncertain significance. Review status: criteria provided, multiple submitters, no conflicts (2 of 4 stars). 2 submissions from 2 submitters: Uncertain significance (2). Last evaluated 2024-10-31.

Conditions:
Hereditary cancer-predisposing syndrome. Also called: Hereditary neoplastic syndrome; Tumor predisposition; Hereditary Cancer Syndrome; Neoplastic Syndromes, Hereditary. Identifiers: Orphanet 140162, MedGen C0027672, MeSH D009386, MONDO:0015356.
Neuroblastoma, susceptibility to, 3. Also called: ALK-Related Neuroblastic Tumor Susceptibility. Identifiers: Orphanet 635, MedGen C2751681, MONDO:0013083, OMIM 613014.

Allele frequency attached by ClinVar (database versions not stated): TOPMed below 0.00001; ExAC 0.00001; ESP Exome Variant Server 0.00015.
gnomAD v4.1: 1 of 1,613,998 alleles (0.000062%); highest among the groups gnomAD compares: Non-Finnish European, 0.000085%; no homozygotes.

Submissions (2):

Labcorp Genetics (formerly Invitae), Labcorp
Classification: Uncertain significance for Neuroblastoma, susceptibility to, 3. Last evaluated: 2024-10-31. Review status: criteria provided, single submitter. Criteria: Invitae Variant Classification Sherloc (09022015). Collection method: clinical testing. Allele origin: germline.
Comment: This sequence change replaces glutamic acid, which is acidic and polar, with glycine, which is neutral and non-polar, at codon 265 of the ALK protein (p.Glu265Gly). This variant is not present in population databases (gnomAD no frequency). This variant has not been reported in the literature in individuals affected with ALK-related conditions. ClinVar contains an entry for this variant (Variation ID: 575253). An algorithm developed to predict the effect of missense changes on protein structure and function (PolyPhen-2) suggests that this variant is likely to be tolerated. In summary, the available evidence is currently insufficient to determine the role of this variant in disease. Therefore, it has been classified as a Variant of Uncertain Significance.

Ambry Genetics
Classification: Uncertain significance for Hereditary cancer-predisposing syndrome. Last evaluated: 2024-10-13. Review status: criteria provided, single submitter. Criteria: Ambry Variant Classification Scheme 2023. Collection method: clinical testing. Allele origin: germline.
Comment: The p.E265G variant (also known as c.794A>G), located in coding exon 3 of the ALK gene, results from an A to G substitution at nucleotide position 794. The glutamic acid at codon 265 is replaced by glycine, an amino acid with similar properties. This amino acid position is conserved. In addition, this alteration is predicted to be tolerated by in silico analysis. Based on the available evidence, the clinical significance of this variant remains unclear.

NM_004304.5(ALK):c.794A>G (p.Glu265Gly)

Gene: ALK (ALK receptor tyrosine kinase; minus strand). Cytogenetic location: 2p23.2.
Variant type: single nucleotide variant.
Coding change: c.794A>G on transcript NM_004304.5 (MANE Select); coding-DNA position 794, A replaced by G.
Protein change: p.Glu265Gly; replaces glutamic acid 265 with glycine.
Molecular consequence: missense variant.
Genome position (GRCh38, 1-based): chr2:29,695,008, T>C on the plus strand (A>G on the coding strand, the complement: ALK is on the minus strand). VCF-style: chr2-29695008-T-C. GRCh37 (hg19) VCF-style: chr2-29917874-T-C.
Other names: short protein forms E265G.
Identifiers: ClinVar variation 575253 (VCV000575253.12), dbSNP rs140497106, ClinGen allele CA1594845.